The following is an entry in ClinVar:

ClinVar aggregate classification (germline): Uncertain significance (1 of 4 stars; one submission).

Submission:

Dasa
Classification: Uncertain significance. Last evaluated: 2025-01-13. Review status: criteria provided, single submitter. Criteria: DASA Assertion Criteria. Collection method: clinical testing. Allele origin: germline.
Comment: NM_006186.4(NR4A2):c.1378G>A (p.Gly460Ser) is a missense variant that results in the substitution of glycine with serine. This variant is absent from population databases. Computational prediction algorithms are consistent with a benign effect. The currently available literature and clinical evidence are not sufficient to establish a definitive association between this variant and the reported condition. Therefore, this variant is classified as a variant of uncertain significance.

NM_006186.4(NR4A2):c.1378G>A (p.Gly460Ser)

Gene: NR4A2 (nuclear receptor subfamily 4 group A member 2; minus strand). Cytogenetic location: 2q24.1.
Variant type: single nucleotide variant.
Coding change: c.1378G>A on transcript NM_006186.4 (MANE Select); coding-DNA position 1378, G replaced by A.
Protein change: p.Gly460Ser; replaces glycine 460 with serine.
Molecular consequence: missense variant.
Genome position (GRCh38, 1-based): chr2:156,326,312, C>T on the plus strand (G>A on the coding strand, the complement: NR4A2 is on the minus strand). VCF-style: chr2-156326312-C-T. GRCh37 (hg19) VCF-style: chr2-157182824-C-T.
Other names: c.1189G>A, p.Gly397Ser (NM_173173.3); short protein forms G397S, G460S.
Identifiers: ClinVar variation 4885305 (VCV004885305.2).